The following is an entry in ClinVar:

NM_000812.4(GABRB1):c.1342T>A (p.Ser448Thr)

Gene: GABRB1 (gamma-aminobutyric acid type A receptor subunit beta1; plus strand). Cytogenetic location: 4p12.
Variant type: single nucleotide variant.
Coding change: c.1342T>A on transcript NM_000812.4 (MANE Select); coding-DNA position 1342, T replaced by A.
Protein change: p.Ser448Thr; replaces serine 448 with threonine.
Molecular consequence: missense variant.
Genome position (GRCh38, 1-based): chr4:47,425,935, T>A. VCF-style: chr4-47425935-T-A. GRCh37 (hg19) VCF-style: chr4-47427952-T-A.
Other names: short protein forms S448T.
Identifiers: ClinVar variation 3693841 (VCV003693841.2).

ClinVar aggregate classification (germline): Uncertain significance (1 of 4 stars; one submission).

gnomAD v4.1: 3 of 1,613,988 alleles (0.00019%); highest among the groups gnomAD compares: Non-Finnish European, 0.00025%; no homozygotes.

Submission:

Labcorp Genetics (formerly Invitae), Labcorp
Classification: Uncertain significance. Last evaluated: 2024-09-01. Review status: criteria provided, single submitter. Criteria: Invitae Variant Classification Sherloc (09022015). Collection method: clinical testing. Allele origin: germline.
Comment: This sequence change replaces serine, which is neutral and polar, with threonine, which is neutral and polar, at codon 448 of the GABRB1 protein (p.Ser448Thr). This variant is not present in population databases (gnomAD no frequency). This variant has not been reported in the literature in individuals affected with GABRB1-related conditions. Invitae Evidence Modeling of protein sequence and biophysical properties (such as structural, functional, and spatial information, amino acid conservation, physicochemical variation, residue mobility, and thermodynamic stability) indicates that this missense variant is not expected to disrupt GABRB1 protein function with a negative predictive value of 80%. Algorithms developed to predict the effect of sequence changes on RNA splicing suggest that this variant may create or strengthen a splice site. In summary, the available evidence is currently insufficient to determine the role of this variant in disease. Therefore, it has been classified as a Variant of Uncertain Significance.